The following is an entry in ClinVar:

ClinVar aggregate classification (germline): Uncertain significance (1 of 4 stars; one submission).

Submission:

Labcorp Genetics (formerly Invitae), Labcorp
Classification: Uncertain significance. Last evaluated: 2024-06-12. Review status: criteria provided, single submitter. Criteria: Invitae Variant Classification Sherloc (09022015). Collection method: clinical testing. Allele origin: germline.
Comment: This sequence change affects codon 1164 of the COL11A1 mRNA. It is a 'silent' change, meaning that it does not change the encoded amino acid sequence of the COL11A1 protein. It affects a nucleotide within the consensus splice site. This variant is not present in population databases (gnomAD no frequency). This variant has not been reported in the literature in individuals affected with COL11A1-related conditions. Algorithms developed to predict the effect of sequence changes on RNA splicing suggest that this variant is not likely to affect RNA splicing. In summary, the available evidence is currently insufficient to determine the role of this variant in disease. Therefore, it has been classified as a Variant of Uncertain Significance.

NM_001854.4(COL11A1):c.3492T>C (p.Ala1164=)

Gene: COL11A1 (collagen type XI alpha 1 chain; minus strand). Cytogenetic location: 1p21.1.
Variant type: single nucleotide variant.
Coding change: c.3492T>C on transcript NM_001854.4 (MANE Select); coding-DNA position 3492, T replaced by C.
Protein change: p.Ala1164=; no amino-acid change (alanine 1164 retained).
Molecular consequence: synonymous variant. On other transcripts: non-coding transcript variant (1).
Genome position (GRCh38, 1-based): chr1:102,935,060, A>G on the plus strand (T>C on the coding strand, the complement: COL11A1 is on the minus strand). VCF-style: chr1-102935060-A-G. GRCh37 (hg19) VCF-style: chr1-103400616-A-G.
Other names: c.3375T>C, p.Ala1125= (NM_001190709.2); c.3528T>C, p.Ala1176= (NM_080629.3); c.3144T>C, p.Ala1048= (NM_080630.4).
Identifiers: ClinVar variation 3656347 (VCV003656347.2).